The following is an entry in ClinVar:

NM_000059.4(BRCA2):c.9286dup (p.Glu3096fs)

Gene: BRCA2 (BRCA2 DNA repair associated; plus strand). Cytogenetic location: 13q13.1.
Variant type: Duplication.
Coding change: c.9286dup on transcript NM_000059.4 (MANE Select); coding-DNA position 9286, one base duplicated (G; older notation c.9286dupG).
Protein change: p.Glu3096fs; shifts the reading frame from glutamic acid 3096.
Molecular consequence: frameshift variant.
Genome position (GRCh38, 1-based): chr13:32,394,718, G duplicated. VCF-style (leftmost placement, unchanged base first): chr13-32394717-C-CG. GRCh37 (hg19) VCF-style: chr13-32968854-C-CG.
Other names: c.9286dupG (NM_000059.3); short protein forms E3096fs.
Identifiers: ClinVar variation 254631 (VCV000254631.16), dbSNP rs778782209, ClinGen allele CA6941373.
Genomic context (GRCh38, chr13:32,394,717, plus strand): 5'-AATAACATTCTTTTCTTTTTTTTCCATTCTAGGACTTGCCCCTTTCGTCTATTTGTCAGA[C>CG]GAATGTTACAATTTACTGGCAATAAAGTTTTGGATAGACCTTAATGAGGACATTATTAAG-3'

ClinVar aggregate classification (germline): Pathogenic. Review status: reviewed by expert panel (3 of 4 stars). 6 submissions from 6 submitters: Pathogenic (1). 5 of the submissions do not count toward it. Last evaluated 2016-09-08.

Conditions:
Hereditary cancer-predisposing syndrome. Also called: Neoplastic Syndromes, Hereditary; Tumor predisposition; Hereditary neoplastic syndrome; Hereditary Cancer Syndrome. Identifiers: Orphanet 140162, MedGen C0027672, MeSH D009386, MONDO:0015356.
Hereditary breast ovarian cancer syndrome. Also called: Hereditary breast and/or ovarian cancer syndrome; Hereditary breast and ovarian cancer; Hereditary breast and ovarian cancer syndrome; Hereditary breast and ovarian cancer syndrome (HBOC); Breast and ovarian cancer; BRCA1- and BRCA2-Associated Hereditary Breast and Ovarian Cancer. Identifiers: Orphanet 145, MedGen C0677776, MeSH D061325, MONDO:0003582. Disease mechanism: loss of function.
Breast-ovarian cancer, familial, susceptibility to, 2 (BROVCA2). Also called: BRCA2 Hereditary Breast and Ovarian Cancer. Identifiers: Orphanet 145, MedGen C2675520, MONDO:0012933, OMIM 612555. Disease mechanism: loss of function.

Allele frequency attached by ClinVar (database versions not stated): gnomAD exomes below 0.00001; ExAC 0.00001.

Submissions (6):

Evidence-based Network for the Interpretation of Germline Mutant Alleles (ENIGMA)
Classification: Pathogenic for Breast-ovarian cancer, familial, susceptibility to, 2. Last evaluated: 2016-09-08. Review status: reviewed by expert panel. Criteria: ENIGMA BRCA1/2 Classification Criteria (2015). Collection method: curation. Allele origin: germline.
Comment: Variant allele predicted to encode a truncated non-functional protein.

Labcorp Genetics (formerly Invitae), Labcorp
Classification: Pathogenic for Hereditary breast ovarian cancer syndrome. Last evaluated: 2025-11-19. Review status: criteria provided, single submitter. Criteria: Invitae Variant Classification Sherloc (09022015). Collection method: clinical testing. Allele origin: germline. Not counted in ClinVar's aggregate classification.
Comment: This sequence change creates a premature translational stop signal (p.Glu3096Glyfs*15) in the BRCA2 gene. It is expected to result in an absent or disrupted protein product. Loss-of-function variants in BRCA2 are known to be pathogenic (PMID: 20104584). This variant is present in population databases (rs778782209, gnomAD 0.007%). This variant has not been reported in the literature in individuals affected with BRCA2-related conditions. ClinVar contains an entry for this variant (Variation ID: 254631). For these reasons, this variant has been classified as Pathogenic.

GeneDx
Classification: Pathogenic. Last evaluated: 2025-09-07. Review status: criteria provided, single submitter. Criteria: GeneDx Variant Classification Process June 2021. Collection method: clinical testing. Allele origin: germline. Not counted in ClinVar's aggregate classification.
Comment: Frameshift variant predicted to result in protein truncation or nonsense mediated decay in a gene for which loss of function is a known mechanism of disease; Truncating variants in this gene are considered pathogenic by a well-established clinical consortium and/or database; Not observed at significant frequency in large population cohorts (gnomAD); Also known as 9514dup; This variant is associated with the following publications: (PMID: 29446198, 29922827, 36451132)

Ambry Genetics
Classification: Pathogenic for Hereditary cancer-predisposing syndrome. Last evaluated: 2023-04-06. Review status: criteria provided, single submitter. Criteria: Ambry Variant Classification Scheme 2023. Collection method: clinical testing. Allele origin: germline. Not counted in ClinVar's aggregate classification.
Comment: The c.9286dupG pathogenic mutation, located in coding exon 24 of the BRCA2 gene, results from a duplication of G at nucleotide position 9286, causing a translational frameshift with a predicted alternate stop codon (p.E3096Gfs*15). This alteration was identified in a large, worldwide study of BRCA1 and BRCA2 mutation positive families (Rebbeck TR et al. Hum. Mutat., 2018 05;39:593-620). This alteration has also been reported in 0/3030 cases in 1/123136 controls in one pancreatic cancer case-control study (Hu C et al. JAMA, 2018 06;319:2401-2409). In addition to the clinical data presented in the literature, this alteration is expected to result in loss of function by premature protein truncation or nonsense-mediated mRNA decay. As such, this alteration is interpreted as a disease-causing mutation.

Women's Health and Genetics/Laboratory Corporation of America, LabCorp
Classification: Likely pathogenic for Hereditary breast and ovarian cancer syndrome. Last evaluated: 2019-11-11. Review status: criteria provided, single submitter. Criteria: LabCorp Variant Classification Summary - May 2015. Collection method: clinical testing. Allele origin: germline. Not counted in ClinVar's aggregate classification.
Comment: Variant summary: BRCA2 c.9286dupG (p.Glu3096GlyfsX15) results in a premature termination codon, predicted to cause a truncation of the encoded protein or absence of the protein due to nonsense mediated decay, which are commonly known mechanisms for disease. Truncations downstream of this position have been classified as pathogenic by our laboratory. The variant allele was found at a frequency of 4e-06 in 250672 control chromosomes. To our knowledge, no occurrence of c.9286dupG in individuals affected with Hereditary Breast and Ovarian Cancer and no experimental evidence demonstrating its impact on protein function have been reported. Two submitters (one of whom is an expert panel, ENIGMA) have provided clinical-significance assessments for this variant to ClinVar after 2014 without evidence for independent evaluation. Both submitters classified the variant as pathogenic. Based on the evidence outlined above, the variant was classified as likely pathogenic.

Consortium of Investigators of Modifiers of BRCA1/2 (CIMBA), c/o University of Cambridge
Classification: Pathogenic for Breast-ovarian cancer, familial, susceptibility to, 2. Last evaluated: 2015-10-02. Review status: criteria provided, single submitter. Criteria: CIMBA Mutation Classification guidelines May 2016. Collection method: clinical testing. Allele origin: germline. Not counted in ClinVar's aggregate classification.

Literature cited by the submitters: PubMed 20104584 (cited by Labcorp Genetics (formerly Invitae), Labcorp); PubMed 29446198 (cited by Ambry Genetics); PubMed 29922827 (cited by Ambry Genetics and Women's Health and Genetics/Laboratory Corporation of America, LabCorp).